The following is an entry in ClinVar:

ClinVar aggregate classification (germline): Uncertain significance (1 of 4 stars; one submission).

gnomAD v4.1: 2 of 1,548,232 alleles (0.00013%); highest among the groups gnomAD compares: Non-Finnish European, 0.00017%; no homozygotes.

Submission:

CeGaT Center for Human Genetics Tuebingen
Classification: Uncertain significance. Last evaluated: 2026-02-01. Review status: criteria provided, single submitter. Criteria: CeGaT Center For Human Genetics Tuebingen Variant Classification Criteria Version 2. Collection method: clinical testing. Allele origin: germline. Affected: yes. Observed: 1 variant allele.
Comment: CACNA1A: PM2, PP3

NM_001127222.2(CACNA1A):c.65G>T (p.Gly22Val)

Gene: CACNA1A (calcium voltage-gated channel subunit alpha1 A; minus strand). Cytogenetic location: 19p13.13.
Variant type: single nucleotide variant.
Coding change: c.65G>T on transcript NM_001127222.2 (MANE Select); coding-DNA position 65, G replaced by T.
Protein change: p.Gly22Val; replaces glycine 22 with valine.
Molecular consequence: missense variant.
Genome position (GRCh38, 1-based): chr19:13,506,160, C>A on the plus strand (G>T on the coding strand, the complement: CACNA1A is on the minus strand). VCF-style: chr19-13506160-C-A. GRCh37 (hg19) VCF-style: chr19-13616974-C-A.
Other names: c.65G>T, p.Gly22Val (NM_000068.4, NM_001127221.2, NM_001174080.2 and 1 more transcripts); short protein forms G22V.
Identifiers: ClinVar variation 4820885 (VCV004820885.4).
Genomic context (GRCh38, chr19:13,506,160, plus strand): 5'-GGCTGCCCGCCCTGCCGGCTGCCCCCGGCTCCTCGCCCGCCTCCGCTGCCCACGACCACC[C>A]CGGCGGCTGCCCCGGAGCCTCCTCCCCCGTAGCGGGCCGGCATCTCGTCTCCGAAGCGGG-3'
Protein context (NP_001120694.1, residues 12-32): YGGGGSGAAA[Gly22Val]VVVGSGGGRG